The following is an entry in ClinVar:

NM_000257.4(MYH7):c.3158G>A (p.Arg1053Gln)

Gene: MYH7 (myosin heavy chain 7; minus strand). Cytogenetic location: 14q11.2.
Variant type: single nucleotide variant.
Coding change: c.3158G>A on transcript NM_000257.4 (MANE Select); coding-DNA position 3158, G replaced by A.
Protein change: p.Arg1053Gln; replaces arginine 1053 with glutamine.
Molecular consequence: missense variant.
Genome position (GRCh38, 1-based): chr14:23,422,267, C>T on the plus strand (G>A on the coding strand, the complement: MYH7 is on the minus strand). VCF-style: chr14-23422267-C-T. GRCh37 (hg19) VCF-style: chr14-23891476-C-T.
Other names: p.R1053Q:CGG>CAG; NM_000257.3(MYH7):c.3158G>A; NM_000257.4(MYH7):c.3158G>A; short protein forms R1053Q.
Identifiers: ClinVar variation 155814 (VCV000155814.40), dbSNP rs587782962, ClinGen allele CA013417.
Genomic context (GRCh38, chr14:23,422,267, plus strand): 5'-TTGTCATTCTCCAGGTCCATGATGCTCTCCTGGGTCAGCTTCAGGTCGCCCTCCAGCTTC[C>T]GCTTCGCTCGCTCCAGGTCCATGCGCACCTTCTTCTCTTGCTCCAGGGATCCTTCCAGCT-3'
Protein context (NP_000248.2, residues 1043-1063): KVRMDLERAK[Arg1053Gln]KLEGDLKLTQ

ClinVar aggregate classification (germline): Pathogenic. Review status: reviewed by expert panel (3 of 4 stars). 17 submissions from 17 submitters: Pathogenic (1). 16 of the submissions do not count toward it. Last evaluated 2021-11-30.

Conditions:
MYH7-related disorder. Also called: MYH7-related disorders; MYH7-related condition; MYH7-related disease.
Cardiovascular phenotype. Identifiers: MedGen CN230736.
MYH7-related skeletal myopathy. Also called: Laing early-onset distal myopathy; Myopathy, distal, 1; MYOPATHY, DISTAL, EARLY-ONSET, AUTOSOMAL DOMINANT; MYOPATHY, LATE DISTAL HEREDITARY; Laing distal myopathy. Identifiers: Orphanet 59135, MedGen C4552004, MONDO:0008050, OMIM 160500.
Myosin storage myopathy (CMYO7A). Also called: MYOPATHY, HYALINE BODY, AUTOSOMAL DOMINANT; SCAPULOPERONEAL MUSCULAR DYSTROPHY; SCAPULOPERONEAL SYNDROME, MYOPATHIC TYPE; Scapuloperoneal myopathy, MYH7-related; MYOPATHY WITH LYSIS OF TYPE I MYOFIBRILS; MYH7-related late-onset scapuloperoneal muscular dystrophy. Identifiers: Orphanet 437572, Orphanet 636965, MedGen C1842160, MONDO:0008409, OMIM 608358.
Myopathy, myosin storage, autosomal recessive (CMYO7B). Also called: CONGENITAL MYOPATHY 7B, MYOSIN STORAGE, AUTOSOMAL RECESSIVE. Identifiers: Orphanet 636970, MedGen C1850709, MONDO:0009708, OMIM 255160.
Dilated cardiomyopathy 1S (CMD1S). Identifiers: Orphanet 154, Orphanet 54260, MedGen C1834481, MONDO:0013262, OMIM 613426.
Hypertrophic cardiomyopathy 1 (CMH1). Also called: Familial hypertrophic cardiomyopathy 1; MYH7-Related Familial Hypertrophic Cardiomyopathy. Identifiers: MedGen C3495498, MONDO:0008647, OMIM 192600.
Cardiomyopathy (CMYO). Also called: Cardiomyopathies. Identifiers: Orphanet 167848, MedGen C0878544, MONDO:0004994, HP:0001638. Inheritance: Various modes of inheritance.
Hypertrophic cardiomyopathy. Also called: HYPERTROPHIC MYOCARDIOPATHY. Identifiers: Orphanet 217569, MedGen C0007194, MeSH D002312, MONDO:0005045, HP:0001639.

Allele frequency attached by ClinVar (database versions not stated): TOPMed 0.00001; gnomAD exomes 0.00002 and 0.00006; ExAC 0.00007; gnomAD 0.00007 and 0.00008.
gnomAD v4.1: 33 of 1,613,984 alleles (0.002%); highest among the groups gnomAD compares: African/African-American, 0.0013%; no homozygotes.

Submissions 1 to 9 of 17:

ClinGen Cardiomyopathy Variant Curation Expert Panel
Classification: Pathogenic for Hypertrophic cardiomyopathy. Last evaluated: 2021-11-30. Review status: reviewed by expert panel. Criteria: ClinGen CMP ACMG Specifications v1. Collection method: curation. Allele origin: germline. Inheritance: Autosomal dominant inheritance.
Comment: The NM_000257.4(MYH7):c.3158G>A (p.Arg1053Gln) variant in MYH7 has been reported in >35 individuals with hypertrophic cardiomyopathy (HCM), a large proportion of which are of Finnish ancestry (PS4; Kärkkäinen 2004 PMID:15556047; Jääskeläinen 2014 PMID:24888384; Walsh 2017 PMID:27532257; Ambry pers. comm.; GeneDx pers. comm., Invitae pers. comm.; LMM pers. comm.; OMGL pers. comm.). This variant segregated with disease in >15 affected individuals with HCM in 9 families (PP1_Moderate; Kärkkäinen 2004 PMID:15556047; GeneDx pers. comm.; OMGL pers. comm.). This variant was identified in 0.040% (FAF 95% CI; 16/25124) of Finnish chromosomes in gnomAD v2.1.1, but was absent from other populations and is an established Finnish founder variant. Computational prediction tools and conservation analysis suggest that this variant may impact the protein (PP3). In summary, this variant meets criteria to be classified as pathogenic for hypertrophic cardiomyopathy in an autosomal dominant manner. MYH7-specific ACMG/AMP criteria applied (Kelly 2018 PMID:29300372): PS4; PP1_Strong; PM2; PP3.

CeGaT Center for Human Genetics Tuebingen
Classification: Pathogenic. Last evaluated: 2026-06-01. Review status: criteria provided, single submitter. Criteria: CeGaT Center For Human Genetics Tuebingen Variant Classification Criteria Version 2. Collection method: clinical testing. Allele origin: germline. Affected: yes. Observed: 1 variant allele. Not counted in ClinVar's aggregate classification.
Comment: MYH7: PP1:Strong, PS4, PM2, PP3

Labcorp Genetics (formerly Invitae), Labcorp
Classification: Pathogenic for Hypertrophic cardiomyopathy. Last evaluated: 2025-11-26. Review status: criteria provided, single submitter. Criteria: Invitae Variant Classification Sherloc (09022015). Collection method: clinical testing. Allele origin: germline. Not counted in ClinVar's aggregate classification.
Comment: This sequence change replaces arginine, which is basic and polar, with glutamine, which is neutral and polar, at codon 1053 of the MYH7 protein (p.Arg1053Gln). This variant is present in population databases (rs587782962, gnomAD 0.07%). This missense change has been observed in individual(s) with hypertrophic cardiomyopathy (PMID: 15556047, 20624503, 24888384, 27247418, 27460395, 27532257). It is commonly reported in individuals of Finnish ancestry (PMID: 15556047, 20624503, 24888384, 27247418, 27460395, 27532257). ClinVar contains an entry for this variant (Variation ID: 155814). Invitae Evidence Modeling of protein sequence and biophysical properties (such as structural, functional, and spatial information, amino acid conservation, physicochemical variation, residue mobility, and thermodynamic stability) indicates that this missense variant is expected to disrupt MYH7 protein function with a positive predictive value of 95%. For these reasons, this variant has been classified as Pathogenic.

Mayo Clinic Laboratories, Mayo Clinic
Classification: Pathogenic. Last evaluated: 2025-06-26. Review status: criteria provided, single submitter. Criteria: ACMG Guidelines, 2015. Collection method: clinical testing. Allele origin: germline. Observed: 1 variant allele. Not counted in ClinVar's aggregate classification.
Comment: PP1_strong, PP3_moderate, PM2_supporting, PS4

Ambry Genetics
Classification: Pathogenic for Cardiovascular phenotype. Last evaluated: 2025-06-05. Review status: criteria provided, single submitter. Criteria: Ambry Variant Classification Scheme 2023. Collection method: clinical testing. Allele origin: germline. Not counted in ClinVar's aggregate classification.
Comment: The p.R1053Q pathogenic mutation (also known as c.3158G>A), located in coding exon 23 of the MYH7 gene, results from a G to A substitution at nucleotide position 3158. The arginine at codon 1053 is replaced by glutamine, an amino acid with highly similar properties. This variant, which has been reported as a Finnish founder mutation, was identified in one or more individuals with features consistent with hypertrophic cardiomyopathy and segregated with disease in at least one family (K&auml;rkk&auml;inen S, Eur. J. Heart Fail. 2004 Dec; 6(7):861-8; Millat G et al. Eur J Med Genet Jul;53:261-7; J&auml;&auml;skel&auml;inen P et al. Ann. Med., 2014 Sep;46:424-9; Walsh R et al. Genet Med, 2017 02;19:192-203; Kelly MA et al. Genet Med, 2018 03;20:351-359; J&auml;&auml;skel&auml;inen P et al. ESC Heart Fail, 2019 Apr;6:436-445; Marschall C et al. Cardiovasc Diagn Ther, 2019 Oct;9:S292-S298; Costain G et al. JAMA Netw Open, 2020 09;3:e2018109; Yoshinaga M et al. Circ J, 2021 12;86:118-127; Hathaway J et al. BMC Cardiovasc Disord, 2021 03;21:126). This amino acid position is highly conserved in available vertebrate species. In addition, this alteration is predicted to be deleterious by in silico analysis. Based on the supporting evidence, this alteration is interpreted as a disease-causing mutation.

Centre of Medical Genetics, University Hospital Muenster
Classification: Pathogenic. Last evaluated: 2025-04-28. Review status: criteria provided, single submitter. Criteria: ACMG Guidelines, 2015. Collection method: clinical testing. Allele origin: unknown. Affected: yes. Observed: 1 variant allele, 1 heterozygote. Not counted in ClinVar's aggregate classification.
Comment: ACMG categories: PS4,PM2_sup,PP1_strong,PP3

Clinical Genetics Laboratory, Region Ostergotland
Classification: Pathogenic for Hypertrophic cardiomyopathy 1. Last evaluated: 2025-03-27. Review status: criteria provided, single submitter. Criteria: ClinGen CMP ACMG Specifications MYH7 V2.0.0. Collection method: clinical testing. Allele origin: inherited. Affected: yes. Observed: 2 variant alleles. Not counted in ClinVar's aggregate classification.
Comment: Classification according to ClinGen Cardiomyopathy Expert Panel Specifications to the ACMG/AMP Variant Interpretation Guidelines for MYH7 Version 2.0.0: PS4, PP1_strong, PM2_supporting, PP3

Blueprint Genetics
Classification: Pathogenic for MYH7-related disorders. Last evaluated: 2024-09-09. Review status: criteria provided, single submitter. Criteria: ACMG Guidelines, 2015. Collection method: clinical testing. Allele origin: germline. Affected: yes. Observed: 5 variant alleles. Not counted in ClinVar's aggregate classification.

All of Us Research Program, National Institutes of Health
Classification: Pathogenic for Hypertrophic cardiomyopathy. Last evaluated: 2023-10-02. Review status: criteria provided, single submitter. Criteria: ACMG Guidelines, 2015. Collection method: clinical testing. Allele origin: germline. Inheritance: Autosomal dominant inheritance. Observed: 1 variant allele, 1 heterozygote. Not counted in ClinVar's aggregate classification.
Comment: This missense variant replaces arginine with glutamine at codon 1053 in the neck and hinge (S2) domain of the MYH7 protein. Computational prediction suggests that this variant may have a deleterious impact on protein structure and function (internally defined REVEL score threshold >= 0.7, PMID: 27666373). To our knowledge, functional studies have not been reported for this variant. This variant has been reported in more than 30 individuals affected with hypertrophic cardiomyopathy (PMID: 15556047, 20624503, 24888384, 27532257, 29300372, 30775854, 31737537, 33673806, 34615813). It has been described as a founder variant in the Finnish population (PMID: 24888384). It has been shown that this variant segregates with disease in 6 affected individuals in one family (PMID: 15556047). This variant has been identified in 17/282864 chromosomes in the general population by the Genome Aggregation Database (gnomAD). Based on the available evidence, this variant is classified as Pathogenic.

This study involves interpretation of variants in research participants for the purpose of population health screening. Participant phenotype was not available at the time of variant classification. Additional details can be found in publication PMID: 35346344, PMCID: PMC8962531